The following is an entry in ClinVar:

ClinVar aggregate classification (germline): Uncertain significance (1 of 4 stars; one submission).

Conditions:
Kabuki syndrome. Also called: NIIKAWA-KUROKI SYNDROME; Kabuki make-up syndrome. Identifiers: Orphanet 2322, MedGen C0796004, MONDO:0016512.

Submission:

Labcorp Genetics (formerly Invitae), Labcorp
Classification: Uncertain significance for Kabuki syndrome. Last evaluated: 2025-11-04. Review status: criteria provided, single submitter. Criteria: Invitae Variant Classification Sherloc (09022015). Collection method: clinical testing. Allele origin: germline.
Comment: This sequence change replaces serine, which is neutral and polar, with threonine, which is neutral and polar, at codon 624 of the KMT2D protein (p.Ser624Thr). This variant is not present in population databases (gnomAD no frequency). This variant has not been reported in the literature in individuals affected with KMT2D-related conditions. Invitae Evidence Modeling of protein sequence and biophysical properties (such as structural, functional, and spatial information, amino acid conservation, physicochemical variation, residue mobility, and thermodynamic stability) indicates that this missense variant is not expected to disrupt KMT2D protein function with a negative predictive value of 95%. In summary, the available evidence is currently insufficient to determine the role of this variant in disease. Therefore, it has been classified as a Variant of Uncertain Significance.

NM_003482.4(KMT2D):c.1870T>A (p.Ser624Thr)

Gene: KMT2D (lysine methyltransferase 2D; minus strand). Cytogenetic location: 12q13.12.
Variant type: single nucleotide variant.
Coding change: c.1870T>A on transcript NM_003482.4 (MANE Select); coding-DNA position 1870, T replaced by A.
Protein change: p.Ser624Thr; replaces serine 624 with threonine.
Molecular consequence: missense variant.
Genome position (GRCh38, 1-based): chr12:49,051,813, A>T on the plus strand (T>A on the coding strand, the complement: KMT2D is on the minus strand). VCF-style: chr12-49051813-A-T. GRCh37 (hg19) VCF-style: chr12-49445596-A-T.
Other names: short protein forms S624T.
Identifiers: ClinVar variation 4801262 (VCV004801262.1).